The following is an entry in ClinVar:

NM_001330360.2(POLA1):c.383A>G (p.Asn128Ser)

Gene: POLA1 (DNA polymerase alpha 1, catalytic subunit; plus strand). Cytogenetic location: Xp22.11.
Variant type: single nucleotide variant.
Coding change: c.383A>G on transcript NM_001330360.2 (MANE Select); coding-DNA position 383, A replaced by G.
Protein change: p.Asn128Ser; replaces asparagine 128 with serine.
Molecular consequence: missense variant. On other transcripts: non-coding transcript variant (2).
Genome position (GRCh38, 1-based): chrX:24,714,590, A>G. VCF-style: chrX-24714590-A-G. GRCh37 (hg19) VCF-style: chrX-24732707-A-G.
Other names: c.383A>G, p.Asn128Ser (NM_001378303.1); c.365A>G, p.Asn122Ser (NM_016937.4); short protein forms N122S, N128S.
Identifiers: ClinVar variation 2581607 (VCV002581607.1), dbSNP rs150650096, ClinGen allele CA326893523.

ClinVar aggregate classification (germline): Uncertain significance (1 of 4 stars; one submission).

Allele frequency attached by ClinVar (database versions not stated): gnomAD exomes below 0.00001; TOPMed 0.00003; gnomAD 0.00004; ESP Exome Variant Server 0.00009.
gnomAD v4.1: 8 of 1,197,066 alleles (0.00067%); highest among the groups gnomAD compares: African/African-American, 0.012%; no homozygotes.

Submission:

Women's Health and Genetics/Laboratory Corporation of America, LabCorp
Classification: Uncertain significance. Last evaluated: 2023-08-01. Review status: criteria provided, single submitter. Criteria: LabCorp Variant Classification Summary - May 2015. Collection method: clinical testing. Allele origin: germline.
Comment: Variant summary: POLA1 c.365A>G (p.Asn122Ser) results in a conservative amino acid change in the encoded protein sequence. Four of five in-silico tools predict a benign effect of the variant on protein function. The variant allele was found at a frequency of 1.8e-05 in 170848 control chromosomes (gnomAD). The available data on variant occurrences in the general population are insufficient to allow any conclusion about variant significance. To our knowledge, no occurrence of c.365A>G in individuals affected with X-Linked Intellectual Disability, Van Esch Type and no experimental evidence demonstrating its impact on protein function have been reported. No submitters have cited clinical-significance assessments for this variant to ClinVar after 2014. Based on the evidence outlined above, the variant was classified as uncertain significance.